The following is an entry in ClinVar:

ClinVar aggregate classification (germline): Uncertain significance (1 of 4 stars; one submission).

Conditions:
Cardiomyopathy (CMYO). Also called: Cardiomyopathies. Identifiers: Orphanet 167848, MedGen C0878544, MONDO:0004994, HP:0001638. Inheritance: Various modes of inheritance.

Submission:

All of Us Research Program, National Institutes of Health
Classification: Uncertain significance for Cardiomyopathy. Last evaluated: 2024-08-13. Review status: criteria provided, single submitter. Criteria: ACMG Guidelines, 2015. Collection method: clinical testing. Allele origin: germline. Inheritance: Autosomal dominant inheritance. Observed: 1 variant allele, 1 heterozygote.
Comment: This missense variant replaces aspartic acid with histidine at codon 249 of the TNNT2 protein. Computational prediction suggests that this variant may have deleterious impact on protein structure and function (internally defined REVEL score threshold >= 0.7, PMID: 27666373). To our knowledge, functional studies have not been reported for this variant. This variant has not been reported in individuals affected with TNNT2-related disorders in the literature. This variant has not been identified in the general population by the Genome Aggregation Database (gnomAD). The available evidence is insufficient to determine the role of this variant in disease conclusively. Therefore, this variant is classified as a Variant of Uncertain Significance.

This study involves interpretation of variants in research participants for the purpose of population health screening. Participant phenotype was not available at the time of variant classification. Additional details can be found in publication PMID: 35346344, PMCID: PMC8962531

NM_001276345.2(TNNT2):c.775G>C (p.Asp259His)

Gene: TNNT2 (troponin T2, cardiac type; minus strand). Cytogenetic location: 1q32.1.
Variant type: single nucleotide variant.
Coding change: c.775G>C on transcript NM_001276345.2 (MANE Select); coding-DNA position 775, G replaced by C.
Protein change: p.Asp259His; replaces aspartic acid 259 with histidine.
Molecular consequence: missense variant.
Genome position (GRCh38, 1-based): chr1:201,361,314, C>G on the plus strand (G>C on the coding strand, the complement: TNNT2 is on the minus strand). VCF-style: chr1-201361314-C-G. GRCh37 (hg19) VCF-style: chr1-201330442-C-G.
Other names: c.766G>C, p.Asp256His (NM_000364.4, NM_001406723.1); c.745G>C, p.Asp249His (NM_001001430.3, NM_001276347.2, NM_001406724.1); c.736G>C, p.Asp246His (NM_001001431.3, NM_001406726.1, NM_001406727.1); c.727G>C, p.Asp243His (NM_001001432.3); c.646G>C, p.Asp216His (NM_001276346.2); c.742G>C, p.Asp248His (NM_001406725.1); c.730G>C, p.Asp244His (NM_001406728.1); short protein forms D216H, D243H, D244H, D246H, D248H, D249H, D256H, D259H.
Identifiers: ClinVar variation 3386113 (VCV003386113.1).
Genomic context (GRCh38, chr1:201,361,314, plus strand): 5'-GGGCGGGGACAGCATGGCGGCCCACCTCATATTTCTGCTGCTTGAACTTCTCCTGCAGGT[C>G]GAACTTCTCTGCCTCCAAGTTATAGATGCTCTGCCACAGCTCCTTGGCCTTCTCCCTGCA-3'
Protein context (NP_001263274.1, residues 249-269): SIYNLEAEKF[Asp259His]LQEKFKQQKY